The following is an entry in ClinVar:

ClinVar aggregate classification (germline): Uncertain significance (1 of 4 stars; one submission).

gnomAD v4.1: 4 of 1,614,094 alleles (0.00025%); highest among the groups gnomAD compares: Non-Finnish European, 0.00034%; no homozygotes.

Submission:

Labcorp Genetics (formerly Invitae), Labcorp
Classification: Uncertain significance. Last evaluated: 2024-03-10. Review status: criteria provided, single submitter. Criteria: Invitae Variant Classification Sherloc (09022015). Collection method: clinical testing. Allele origin: germline.
Comment: This sequence change falls in intron 90 of the HMCN1 gene. It does not directly change the encoded amino acid sequence of the HMCN1 protein. This variant is present in population databases (no rsID available, gnomAD 0.002%). This variant has not been reported in the literature in individuals affected with HMCN1-related conditions. Algorithms developed to predict the effect of sequence changes on RNA splicing suggest that this variant may disrupt the consensus splice site. In summary, the available evidence is currently insufficient to determine the role of this variant in disease. Therefore, it has been classified as a Variant of Uncertain Significance.

NM_031935.3(HMCN1):c.14096-15T>A

Gene: HMCN1 (hemicentin 1; plus strand). Cytogenetic location: 1q31.1.
Variant type: single nucleotide variant.
Coding change: c.14096-15T>A on transcript NM_031935.3 (MANE Select); 15 bases into the intron before coding-DNA position 14096, T replaced by A.
Molecular consequence: intron variant.
Genome position (GRCh38, 1-based): chr1:186,144,518, T>A. VCF-style: chr1-186144518-T-A. GRCh37 (hg19) VCF-style: chr1-186113650-T-A.
Identifiers: ClinVar variation 3682934 (VCV003682934.2).